The following is an entry in ClinVar:

ClinVar aggregate classification (germline): Conflicting classifications of pathogenicity. Review status: criteria provided, conflicting classifications (1 of 4 stars). 7 submissions from 7 submitters: Uncertain significance (1); Benign (2); Likely benign (4). Last evaluated 2026-03-30.

Conditions:
Ehlers-Danlos syndrome, classic type, 1 (EDSCL1). Also called: EHLERS-DANLOS SYNDROME, GRAVIS TYPE; EHLERS-DANLOS SYNDROME, SEVERE CLASSIC TYPE; Ehlers-Danlos Syndrome, Classic Type, COL5A1-Related; EDS I; Ehlers-Danlos syndrome, type 1. Identifiers: MedGen C0268335, MONDO:0019567, OMIM 130000.
Familial thoracic aortic aneurysm and aortic dissection (TAAD). Also called: Thoracic aortic aneurysms and dissections. Identifiers: Orphanet 91387, MedGen C4707243, MONDO:0019625.
Ehlers-Danlos syndrome, classic type, 2 (EDSCL2). Also called: Ehlers-Danlos syndrome type 2 (formerly); Ehlers-Danlos Syndrome, Classic Type, COL5A2-Related; Ehlers-Danlos syndrome, type 2. Identifiers: Orphanet 287, Orphanet 90318, MedGen C0268336, MONDO:0019568, OMIM 130010.

Allele frequency attached by ClinVar (database versions not stated): gnomAD exomes 0.00009 and 0.00003; TOPMed 0.00036; ExAC 0.00014; 1000 Genomes Project 0.00020; gnomAD 0.00032 and 0.00033; ESP Exome Variant Server 0.00062; 1000 Genomes Project 30x 0.00031.
gnomAD v4.1: 96 of 1,612,550 alleles (0.006%); highest among the groups gnomAD compares: African/African-American, 0.12%; no homozygotes.

Submissions (7):

Women's Health and Genetics/Laboratory Corporation of America, LabCorp
Classification: Benign. Last evaluated: 2026-03-30. Review status: criteria provided, single submitter. Criteria: LabCorp Variant Classification Summary - May 2015. Collection method: clinical testing. Allele origin: germline.

Labcorp Genetics (formerly Invitae), Labcorp
Classification: Benign for Ehlers-Danlos syndrome, classic type, 1. Last evaluated: 2026-01-06. Review status: criteria provided, single submitter. Criteria: Invitae Variant Classification Sherloc (09022015). Collection method: clinical testing. Allele origin: germline.

Mayo Clinic Laboratories, Mayo Clinic
Classification: Likely benign. Last evaluated: 2025-12-04. Review status: criteria provided, single submitter. Criteria: ACMG Guidelines, 2015. Collection method: clinical testing. Allele origin: germline. Observed: 1 variant allele.
Comment: BS1, BP4, BP7

GeneDx
Classification: Likely benign. Last evaluated: 2020-06-22. Review status: criteria provided, single submitter. Criteria: GeneDx Variant Classification Process June 2021. Collection method: clinical testing. Allele origin: germline. Affected: yes.

Illumina Laboratory Services, Illumina
Classification: Likely benign for Ehlers-Danlos syndrome, classic type, 2. Last evaluated: 2018-01-13. Review status: criteria provided, single submitter. Criteria: ICSL Variant Classification Criteria 13 December 2019. Collection method: clinical testing. Allele origin: germline.
Comment: This variant was observed in the ICSL laboratory as part of a predisposition screen in an ostensibly healthy population. It had not been previously curated by ICSL or reported in the Human Gene Mutation Database (HGMD: prior to June 1st, 2018), and was therefore a candidate for classification through an automated scoring system. Utilizing variant allele frequency, disease prevalence and penetrance estimates, and inheritance mode, an automated score was calculated to assess if this variant is too frequent to cause the disease. Based on the score and internal cut-off values, a variant classified as likely benign is not then subjected to further curation. The score for this variant resulted in a classification of likely benign for this disease.

Eurofins Ntd Llc (ga)
Classification: Uncertain significance. Last evaluated: 2016-10-11. Review status: criteria provided, single submitter. Criteria: EGL Classification Definitions 2015. Collection method: clinical testing. Allele origin: germline. Observed: 1 variant allele, 1 heterozygote.

Ambry Genetics
Classification: Likely benign for Familial thoracic aortic aneurysm and aortic dissection. Last evaluated: 2016-07-08. Review status: criteria provided, single submitter. Criteria: Ambry Variant Classification Scheme 2023. Collection method: clinical testing. Allele origin: germline.

NM_000393.5(COL5A2):c.1017A>C (p.Gly339=)

Gene: COL5A2 (collagen type V alpha 2 chain; minus strand). Cytogenetic location: 2q32.2.
Variant type: single nucleotide variant.
Coding change: c.1017A>C on transcript NM_000393.5 (MANE Select); coding-DNA position 1017, A replaced by C.
Protein change: p.Gly339=; no amino-acid change (glycine 339 retained).
Molecular consequence: synonymous variant.
Genome position (GRCh38, 1-based): chr2:189,078,558, T>G on the plus strand (A>C on the coding strand, the complement: COL5A2 is on the minus strand). VCF-style: chr2-189078558-T-G. GRCh37 (hg19) VCF-style: chr2-189943284-T-G.
Other names: p.Gly339=.
Identifiers: ClinVar variation 377732 (VCV000377732.28), dbSNP rs140609193, ClinGen allele CA2022849.
Genomic context (GRCh38, chr2:189,078,558, plus strand): 5'-AAAAGCAGATATACTTACAGGAGCACCCTGTGGCCCAAGTCTCCCTCTCTCTCCTGGCAT[T>G]CCCCTCGGACCCTATAGACGATAGAGAAGAAATGTCTCTTGAAGCACCTAATTTGAAATG-3'
Protein context (NP_000384.2, residues 329-349): MGAMGPLGPR[Gly339=]MPGERGRLGP